The following is an entry in ClinVar:

NM_014283.5(SUCO):c.981+5G>C

Gene: SUCO (SUN domain containing ossification factor; plus strand). Cytogenetic location: 1q24.3.
Variant type: single nucleotide variant.
Coding change: c.981+5G>C on transcript NM_014283.5 (MANE Select); 5 bases into the intron after coding-DNA position 981, G replaced by C.
Molecular consequence: intron variant.
Genome position (GRCh38, 1-based): chr1:172,570,176, G>C. VCF-style: chr1-172570176-G-C. GRCh37 (hg19) VCF-style: chr1-172539316-G-C.
Other names: c.1455+5G>C (NM_016227.4); c.-549+5G>C (NM_001282751.2); c.870+5G>C (NM_001282750.2).
Identifiers: ClinVar variation 3654447 (VCV003654447.2).
Genomic context (GRCh38, chr1:172,570,176, plus strand): 5'-ATTATGCCTCAGTAGAATGTGGTGCCAAAATTCTAGCAGCTAATCCAGAAGCCAAGGTAG[G>C]TGTTTAAATATAAAATTTTGTATATATAGGAAATTAACGACTTTTTAAAATACAGGTTAT-3'

ClinVar aggregate classification (germline): Uncertain significance (1 of 4 stars; one submission).

gnomAD v4.1: 4 of 1,552,858 alleles (0.00026%); highest among the groups gnomAD compares: Non-Finnish European, 0.00035%; no homozygotes.

Submission:

Labcorp Genetics (formerly Invitae), Labcorp
Classification: Uncertain significance. Last evaluated: 2024-06-17. Review status: criteria provided, single submitter. Criteria: Invitae Variant Classification Sherloc (09022015). Collection method: clinical testing. Allele origin: germline.
Comment: This sequence change falls in intron 8 of the SUCO gene. It does not directly change the encoded amino acid sequence of the SUCO protein. It affects a nucleotide within the consensus splice site. The frequency data for this variant in the population databases is considered unreliable, as metrics indicate poor data quality at this position in the gnomAD database. This variant has not been reported in the literature in individuals affected with SUCO-related conditions. Variants that disrupt the consensus splice site are a relatively common cause of aberrant splicing (PMID: 17576681, 9536098). Algorithms developed to predict the effect of sequence changes on RNA splicing suggest that this variant is not likely to affect RNA splicing. In summary, the available evidence is currently insufficient to determine the role of this variant in disease. Therefore, it has been classified as a Variant of Uncertain Significance.

Literature cited by the submitters: PubMed 17576681; PubMed 9536098.